The following is an entry in ClinVar:

ClinVar aggregate classification (germline): Benign/Likely benign. Review status: criteria provided, multiple submitters, no conflicts (2 of 4 stars). 9 submissions from 9 submitters: Benign (2); Likely benign (7). Last evaluated 2026-05-01.

Conditions:
Methylcobalamin deficiency type cblG (HMAG). Also called: HOMOCYSTINURIA-MEGALOBLASTIC ANEMIA, cblG TYPE; HOMOCYSTINURIA-MEGALOBLASTIC ANEMIA, cblG COMPLEMENTATION TYPE; Functional methionine synthase deficiency type cblG; HOMOCYSTINURIA-MEGALOBLASTIC ANEMIA DUE TO DEFECT IN COBALAMIN METABOLISM, cblG COMPLEMENTATION TYPE. Identifiers: Orphanet 2170, Orphanet 622, MedGen C1855128, MONDO:0009609, OMIM 250940.
Disorders of Intracellular Cobalamin Metabolism. Identifiers: MedGen CN043592.

Allele frequency attached by ClinVar (database versions not stated): 1000 Genomes Project 30x 0.00125; 1000 Genomes Project 0.00140; TOPMed 0.00393; gnomAD 0.00408 and 0.00417; ExAC 0.00410; gnomAD exomes 0.00411; ESP Exome Variant Server 0.00523.

Submissions (9):

CeGaT Center for Human Genetics Tuebingen
Classification: Likely benign. Last evaluated: 2026-05-01. Review status: criteria provided, single submitter. Criteria: CeGaT Center For Human Genetics Tuebingen Variant Classification Criteria Version 2. Collection method: clinical testing. Allele origin: germline. Affected: yes. Observed: 8 variant alleles.
Comment: MTR: BP4, BS2

Women's Health and Genetics/Laboratory Corporation of America, LabCorp
Classification: Likely benign. Last evaluated: 2026-04-21. Review status: criteria provided, single submitter. Criteria: LabCorp Variant Classification Summary - May 2015. Collection method: clinical testing. Allele origin: germline.
Comment: Variant summary: MTR c.155G>A (p.Arg52Gln) results in a conservative amino acid change in the encoded protein sequence. Algorithms developed to predict the effect of missense changes on protein structure and function are either unavailable or do not agree on the potential impact of this missense change. The variant allele was found at a frequency of 0.0041 in 251410 control chromosomes, predominantly at a frequency of 0.0068 within the Non-Finnish European subpopulation in the gnomAD database, including 2 homozygotes. The observed variant frequency within Non-Finnish European control individuals in the gnomAD database exceeds the estimated maximal expected allele frequency for disease-causing variants in MTR. To our knowledge, no occurrence of c.155G>A in individuals affected with MTR-related conditions and no experimental evidence demonstrating its impact on protein function have been reported. ClinVar contains an entry for this variant (Variation ID: 534573). Based on the evidence outlined above, the variant was classified as likely benign.

Labcorp Genetics (formerly Invitae), Labcorp
Classification: Benign for Methylcobalamin deficiency type cblG. Last evaluated: 2026-01-28. Review status: criteria provided, single submitter. Criteria: Invitae Variant Classification Sherloc (09022015). Collection method: clinical testing. Allele origin: germline.

Blueprint Genetics
Classification: Likely benign. Last evaluated: 2024-11-25. Review status: criteria provided, single submitter. Criteria: ACMG Guidelines, 2015. Collection method: clinical testing. Allele origin: germline.

ARUP Laboratories, Molecular Genetics and Genomics, ARUP Laboratories
Classification: Likely benign. Last evaluated: 2023-08-24. Review status: criteria provided, single submitter. Criteria: ARUP Molecular Germline Variant Investigation Process 2024. Collection method: clinical testing. Allele origin: germline.

GeneDx
Classification: Benign. Last evaluated: 2020-03-23. Review status: criteria provided, single submitter. Criteria: GeneDx Variant Classification Process June 2021. Collection method: clinical testing. Allele origin: germline. Affected: yes.
Comment: This variant is associated with the following publications: (PMID: 31139930, 25533962, 29474406)

Mendelics
Classification: Likely benign for Methylcobalamin deficiency type cblG. Last evaluated: 2019-05-28. Review status: criteria provided, single submitter. Criteria: Mendelics Assertion Criteria 2017. Collection method: clinical testing. Allele origin: unknown.

Illumina Laboratory Services, Illumina
Classification: Likely benign for Disorders of Intracellular Cobalamin Metabolism. Last evaluated: 2017-04-27. Review status: criteria provided, single submitter. Criteria: ICSL Variant Classification Criteria 13 December 2019. Collection method: clinical testing. Allele origin: germline.
Comment: This variant was observed as part of a predisposition screen in an ostensibly healthy population. A literature search was performed for the gene, cDNA change, and amino acid change (where applicable). Publications were found based on this search. The evidence from the literature, in combination with allele frequency data from public databases where available, was sufficient to determine this variant is unlikely to cause disease. Therefore, this variant is classified as likely benign.

Breakthrough Genomics
Classification: Likely benign. Review status: criteria provided, single submitter. Criteria: ACMG Guidelines, 2015. Collection method: not provided. Allele origin: germline. Inheritance: Autosomal recessive inheritance. Affected: yes.

Literature cited by the submitters: PubMed 21615938 (cited by Illumina Laboratory Services, Illumina); PubMed 20890936 (cited by Illumina Laboratory Services, Illumina).

NM_000254.3(MTR):c.155G>A (p.Arg52Gln)

Gene: MTR (5-methyltetrahydrofolate-homocysteine methyltransferase; plus strand). Cytogenetic location: 1q43.
Variant type: single nucleotide variant.
Coding change: c.155G>A on transcript NM_000254.3 (MANE Select); coding-DNA position 155, G replaced by A.
Protein change: p.Arg52Gln; replaces arginine 52 with glutamine.
Molecular consequence: missense variant. On other transcripts: 5 prime UTR variant (1).
Genome position (GRCh38, 1-based): chr1:236,803,548, G>A. VCF-style: chr1-236803548-G-A. GRCh37 (hg19) VCF-style: chr1-236966848-G-A.
Other names: c.155G>A, p.Arg52Gln (NM_001291939.1); c.-954G>A (NM_001291940.2); short protein forms R52Q.
Identifiers: ClinVar variation 534573 (VCV000534573.44), dbSNP rs12749581, ClinGen allele CA1473643.